The following is an entry in ClinVar:

NM_015662.3(IFT172):c.4264G>C (p.Val1422Leu)

Gene: IFT172 (intraflagellar transport 172; minus strand). Cytogenetic location: 2p23.3.
Variant type: single nucleotide variant.
Coding change: c.4264G>C on transcript NM_015662.3 (MANE Select); coding-DNA position 4264, G replaced by C.
Protein change: p.Val1422Leu; replaces valine 1422 with leucine.
Molecular consequence: missense variant.
Genome position (GRCh38, 1-based): chr2:27,449,341, C>G on the plus strand (G>C on the coding strand, the complement: IFT172 is on the minus strand). VCF-style: chr2-27449341-C-G. GRCh37 (hg19) VCF-style: chr2-27672208-C-G.
Other names: c.4198G>C, p.Val1400Leu (NM_001410739.1); short protein forms V1400L, V1422L.
Identifiers: ClinVar variation 2413429 (VCV002413429.6), dbSNP rs900692701, ClinGen allele CA44518660.

ClinVar aggregate classification (germline): Uncertain significance (1 of 4 stars; one submission).

Conditions:
Retinitis pigmentosa 71 (RP71). Identifiers: Orphanet 791, MedGen C4225342, MONDO:0014618, OMIM 616394.
Short-rib thoracic dysplasia 10 with or without polydactyly (SRTD10). Identifiers: Orphanet 474, MedGen C3810175, MONDO:0014284, OMIM 615630.

Allele frequency attached by ClinVar (database versions not stated): gnomAD exomes below 0.00001; gnomAD 0.00001; TOPMed 0.00002.
gnomAD v4.1: 6 of 1,614,050 alleles (0.00037%); highest among the groups gnomAD compares: Non-Finnish European, 0.00042%; no homozygotes.

Submission:

Labcorp Genetics (formerly Invitae), Labcorp
Classification: Uncertain significance for Retinitis pigmentosa 71; Short-rib thoracic dysplasia 10 with or without polydactyly. Last evaluated: 2022-07-15. Review status: criteria provided, single submitter. Criteria: Invitae Variant Classification Sherloc (09022015). Collection method: clinical testing. Allele origin: germline.
Comment: Algorithms developed to predict the effect of missense changes on protein structure and function (SIFT, PolyPhen-2, Align-GVGD) all suggest that this variant is likely to be tolerated. In summary, the available evidence is currently insufficient to determine the role of this variant in disease. Therefore, it has been classified as a Variant of Uncertain Significance. This variant has not been reported in the literature in individuals affected with IFT172-related conditions. This variant is present in population databases (no rsID available, gnomAD 0.002%). This sequence change replaces valine, which is neutral and non-polar, with leucine, which is neutral and non-polar, at codon 1422 of the IFT172 protein (p.Val1422Leu).